The following is an entry in ClinVar:

ClinVar aggregate classification (germline): Uncertain significance (1 of 4 stars; one submission).

Submission:

GeneDx
Classification: Uncertain significance. Last evaluated: 2024-09-05. Review status: criteria provided, single submitter. Criteria: GeneDx Variant Classification Process June 2021. Collection method: clinical testing. Allele origin: germline. Affected: yes.
Comment: Not observed at significant frequency in large population cohorts (gnomAD); In silico analysis supports that this missense variant has a deleterious effect on protein structure/function; Has not been previously published as pathogenic or benign to our knowledge.

NM_017649.5(CNNM2):c.1354C>G (p.Pro452Ala)

Gene: CNNM2 (cyclin and CBS domain divalent metal cation transport mediator 2; plus strand). Cytogenetic location: 10q24.32.
Variant type: single nucleotide variant.
Coding change: c.1354C>G on transcript NM_017649.5 (MANE Select); coding-DNA position 1354, C replaced by G.
Protein change: p.Pro452Ala; replaces proline 452 with alanine.
Molecular consequence: missense variant.
Genome position (GRCh38, 1-based): chr10:102,919,834, C>G. VCF-style: chr10-102919834-C-G. GRCh37 (hg19) VCF-style: chr10-104679591-C-G.
Other names: c.1354C>G, p.Pro452Ala (NM_199076.3, NM_199077.3); short protein forms P452A.
Identifiers: ClinVar variation 3767434 (VCV003767434.1).